The following is an entry in ClinVar:

ClinVar aggregate classification (germline): Benign/Likely benign. Review status: criteria provided, multiple submitters, no conflicts (2 of 4 stars). 10 submissions from 9 submitters: Benign (4); Likely benign (3). 3 of the submissions do not count toward it. Last evaluated 2026-01-05.

Conditions:
Benign hereditary chorea (BHC). Also called: HEREDITARY PROGRESSIVE CHOREA WITHOUT DEMENTIA; Benign Hereditary Chorea (BHC). Identifiers: Orphanet 1429, MedGen C0393584, MONDO:0021011, OMIM 118700.
Brain-lung-thyroid syndrome. Also called: Choreoathetosis, Congenital Hypothyroidism, and Neonatal Respiratory Distress Syndrome (Brain-Lung-Thyroid Syndrome); Choreoathetosis, congenital hypothyroidism, and neonatal respiratory distress; CHOREOATHETOSIS AND CONGENITAL HYPOTHYROIDISM WITH PULMONARY DYSFUNCTION. Identifiers: Orphanet 209905, MedGen C1970269, MONDO:0012593, OMIM 610978.

Allele frequency attached by ClinVar (database versions not stated): gnomAD exomes 0.00035 and 0.00089; ExAC 0.00167; ESP Exome Variant Server 0.00254; 1000 Genomes Project 30x 0.00265; 1000 Genomes Project 0.00300; gnomAD 0.00358 and 0.00389; TOPMed 0.00397.

Submissions (10):

Labcorp Genetics (formerly Invitae), Labcorp
Classification: Benign. Last evaluated: 2026-01-05. Review status: criteria provided, single submitter. Criteria: Invitae Variant Classification Sherloc (09022015). Collection method: clinical testing. Allele origin: germline.

Blueprint Genetics
Classification: Likely benign. Last evaluated: 2024-10-03. Review status: criteria provided, single submitter. Criteria: ACMG Guidelines, 2015. Collection method: clinical testing. Allele origin: germline.

Johns Hopkins Genomics, Johns Hopkins University
Classification: Likely benign for Brain-lung-thyroid syndrome. Last evaluated: 2020-01-10. Review status: criteria provided, single submitter. Criteria: ACMG Guidelines, 2015. Collection method: clinical testing. Allele origin: germline.

GeneDx
Classification: Likely benign. Last evaluated: 2018-10-24. Review status: criteria provided, single submitter. Criteria: GeneDx Variant Classification Process June 2021. Collection method: clinical testing. Allele origin: germline. Affected: yes.

Illumina Laboratory Services, Illumina
Classification: Benign for Benign hereditary chorea. Last evaluated: 2018-01-12. Review status: criteria provided, single submitter. Criteria: ICSL Variant Classification Criteria 13 December 2019. Collection method: clinical testing. Allele origin: germline.
Comment: This variant was observed in the ICSL laboratory as part of a predisposition screen in an ostensibly healthy population. It had not been previously curated by ICSL or reported in the Human Gene Mutation Database (HGMD: prior to June 1st, 2018), and was therefore a candidate for classification through an automated scoring system. Utilizing variant allele frequency, disease prevalence and penetrance estimates, and inheritance mode, an automated score was calculated to assess if this variant is too frequent to cause the disease. Based on the score and internal cut-off values, a variant classified as benign is not then subjected to further curation. The score for this variant resulted in a classification of benign for this disease.

Illumina Laboratory Services, Illumina
Classification: Benign for Brain-lung-thyroid syndrome. Last evaluated: 2018-01-12. Review status: criteria provided, single submitter. Criteria: ICSL Variant Classification Criteria 13 December 2019. Collection method: clinical testing. Allele origin: germline.
Comment: the same text as in the submission from Illumina Laboratory Services, Illumina above.

Eurofins Ntd Llc (ga)
Classification: Benign. Last evaluated: 2016-12-27. Review status: criteria provided, single submitter. Criteria: EGL Classification Definitions 2015. Collection method: clinical testing. Allele origin: germline. Observed: 1 variant allele, 1 heterozygote.

Clinical Genetics DNA and cytogenetics Diagnostics Lab, Erasmus MC, Erasmus Medical Center
Classification: Benign. Review status: no assertion criteria provided. Collection method: clinical testing. Allele origin: germline. Affected: yes. Study: VKGL Data-share Consensus. Not counted in ClinVar's aggregate classification.

Clinical Genetics, Academic Medical Center
Classification: Likely benign. Review status: no assertion criteria provided. Collection method: clinical testing. Allele origin: germline. Affected: yes. Study: VKGL Data-share Consensus. Not counted in ClinVar's aggregate classification.

Diagnostic Laboratory, Department of Genetics, University Medical Center Groningen
Classification: Benign. Review status: no assertion criteria provided. Collection method: clinical testing. Allele origin: germline. Affected: yes. Study: VKGL Data-share Consensus. Not counted in ClinVar's aggregate classification.

NM_001079668.3(NKX2-1):c.1093G>T (p.Ala365Ser)

Genes: NKX2-1 (NK2 homeobox 1; minus strand), SFTA3 (surfactant associated 3; minus strand). Cytogenetic location: 14q13.3.
Variant type: single nucleotide variant.
Coding change: c.1093G>T on transcript NM_001079668.3 (MANE Select); coding-DNA position 1093, G replaced by T.
Protein change: p.Ala365Ser; replaces alanine 365 with serine.
Molecular consequence: missense variant.
Genome position (GRCh38, 1-based): chr14:36,517,391, C>A on the plus strand (G>T on the coding strand, the complement: NKX2-1 is on the minus strand). VCF-style: chr14-36517391-C-A. GRCh37 (hg19) VCF-style: chr14-36986596-C-A.
Other names: c.1003G>T, p.Ala335Ser (NM_003317.4); short protein forms A365S, A335S.
Identifiers: ClinVar variation 313140 (VCV000313140.28), dbSNP rs147542347, ClinGen allele CA7158418.